The following is an entry in ClinVar:

ClinVar aggregate classification (germline): Uncertain significance (1 of 4 stars; one submission).

Conditions:
Spondylocostal dysostosis 3, autosomal recessive (SCDO3). Also called: LFNG-Related Spondylocostal Dysostosis, Autosomal Recessive. Identifiers: Orphanet 2311, MedGen C1853296, MONDO:0012349, OMIM 609813.

gnomAD v4.1: 1 of 984,790 alleles (0.0001%); no homozygotes.

Submission:

Labcorp Genetics (formerly Invitae), Labcorp
Classification: Uncertain significance for Spondylocostal dysostosis 3, autosomal recessive. Last evaluated: 2021-12-14. Review status: criteria provided, single submitter. Criteria: Invitae Variant Classification Sherloc (09022015). Collection method: clinical testing. Allele origin: germline.
Comment: This sequence change replaces glycine, which is neutral and non-polar, with aspartic acid, which is acidic and polar, at codon 47 of the LFNG protein (p.Gly47Asp). The frequency data for this variant in the population databases is considered unreliable, as metrics indicate insufficient coverage at this position in the gnomAD database. This variant has not been reported in the literature in individuals affected with LFNG-related conditions. Algorithms developed to predict the effect of missense changes on protein structure and function are either unavailable or do not agree on the potential impact of this missense change (SIFT: "Tolerated"; PolyPhen-2: "Not Available"; Align-GVGD: "Class C0"). In summary, the available evidence is currently insufficient to determine the role of this variant in disease. Therefore, it has been classified as a Variant of Uncertain Significance.

NM_001040167.2(LFNG):c.140G>A (p.Gly47Asp)

Gene: LFNG (LFNG O-fucosylpeptide 3-beta-N-acetylglucosaminyltransferase; plus strand). Cytogenetic location: 7p22.3.
Variant type: single nucleotide variant.
Coding change: c.140G>A on transcript NM_001040167.2 (MANE Select); coding-DNA position 140, G replaced by A.
Protein change: p.Gly47Asp; replaces glycine 47 with aspartic acid.
Molecular consequence: missense variant. On other transcripts: intron variant (2).
Genome position (GRCh38, 1-based): chr7:2,520,001, G>A. VCF-style: chr7-2520001-G-A. GRCh37 (hg19) VCF-style: chr7-2559635-G-A.
Other names: c.140G>A, p.Gly47Asp (NM_001040168.2); c.220-4694G>A (NM_001166355.2); c.45+1403G>A (NM_002304.3); short protein forms G47D.
Identifiers: ClinVar variation 1417466 (VCV001417466.3), dbSNP rs1322872527, ClinGen allele CA366613146.